The following is an entry in ClinVar:

NM_004329.3(BMPR1A):c.1240G>T (p.Asp414Tyr)

Gene: BMPR1A (bone morphogenetic protein receptor type 1A; plus strand). Cytogenetic location: 10q23.2.
Variant type: single nucleotide variant.
Coding change: c.1240G>T on transcript NM_004329.3 (MANE Select); coding-DNA position 1240, G replaced by T.
Protein change: p.Asp414Tyr; replaces aspartic acid 414 with tyrosine.
Molecular consequence: missense variant.
Genome position (GRCh38, 1-based): chr10:86,921,593, G>T. VCF-style: chr10-86921593-G-T. GRCh37 (hg19) VCF-style: chr10-88681350-G-T.
Other names: short protein forms D414Y.
Identifiers: ClinVar variation 1019072 (VCV001019072.12), dbSNP rs1554891329, ClinGen allele CA377462067.
Genomic context (GRCh38, chr10:86,921,593, plus strand): 5'-GTTGATGTGCCCTTGAATACCAGGGTGGGCACCAAACGCTACATGGCTCCCGAAGTGCTG[G>T]ACGAAAGCCTGAACAAAAACCACTTCCAGCCCTACATCATGGCTGACATCTACAGCTTCG-3'
Protein context (NP_004320.2, residues 404-424): TKRYMAPEVL[Asp414Tyr]ESLNKNHFQP

ClinVar aggregate classification (germline): Uncertain significance. Review status: criteria provided, multiple submitters, no conflicts (2 of 4 stars). 2 submissions from 2 submitters: Uncertain significance (2). Last evaluated 2025-07-29.

Conditions:
Juvenile polyposis syndrome (JPS). Identifiers: Orphanet 2929, MedGen C0345893, MONDO:0017380, OMIM 174900.
Hereditary cancer-predisposing syndrome. Also called: Tumor predisposition; Hereditary Cancer Syndrome; Neoplastic Syndromes, Hereditary; Hereditary neoplastic syndrome. Identifiers: Orphanet 140162, MedGen C0027672, MeSH D009386, MONDO:0015356.

Allele frequency attached by ClinVar (database versions not stated): gnomAD exomes below 0.00001.
gnomAD v4.1: 1 of 1,614,158 alleles (0.000062%); highest among the groups gnomAD compares: Non-Finnish European, 0.000085%; no homozygotes.

Submissions (2):

Labcorp Genetics (formerly Invitae), Labcorp
Classification: Uncertain significance for Juvenile polyposis syndrome. Last evaluated: 2025-07-29. Review status: criteria provided, single submitter. Criteria: Invitae Variant Classification Sherloc (09022015). Collection method: clinical testing. Allele origin: germline.
Comment: This sequence change replaces aspartic acid, which is acidic and polar, with tyrosine, which is neutral and polar, at codon 414 of the BMPR1A protein (p.Asp414Tyr). This variant is not present in population databases (gnomAD no frequency). This variant has not been reported in the literature in individuals affected with BMPR1A-related conditions. ClinVar contains an entry for this variant (Variation ID: 1019072). Invitae Evidence Modeling of protein sequence and biophysical properties (such as structural, functional, and spatial information, amino acid conservation, physicochemical variation, residue mobility, and thermodynamic stability) has been performed for this missense variant. However, the output from this modeling did not meet the statistical confidence thresholds required to predict the impact of this variant on BMPR1A protein function. In summary, the available evidence is currently insufficient to determine the role of this variant in disease. Therefore, it has been classified as a Variant of Uncertain Significance.

Ambry Genetics
Classification: Uncertain significance for Hereditary cancer-predisposing syndrome. Last evaluated: 2025-06-02. Review status: criteria provided, single submitter. Criteria: Ambry Variant Classification Scheme 2023. Collection method: clinical testing. Allele origin: germline.
Comment: The p.D414Y variant (also known as c.1240G>T), located in coding exon 9 of the BMPR1A gene, results from a G to T substitution at nucleotide position 1240. The aspartic acid at codon 414 is replaced by tyrosine, an amino acid with highly dissimilar properties. This amino acid position is highly conserved in available vertebrate species. In addition, the in silico prediction for this alteration is inconclusive. Since supporting evidence is limited at this time, the clinical significance of this alteration remains unclear.